The following is an entry in ClinVar:

NM_006922.4(SCN3A):c.4185C>T (p.Asn1395=)

Gene: SCN3A (sodium voltage-gated channel alpha subunit 3; minus strand). Cytogenetic location: 2q24.3.
Variant type: single nucleotide variant.
Coding change: c.4185C>T on transcript NM_006922.4 (MANE Select); coding-DNA position 4185, C replaced by T.
Protein change: p.Asn1395=; no amino-acid change (asparagine 1395 retained).
Molecular consequence: synonymous variant.
Genome position (GRCh38, 1-based): chr2:165,097,306, G>A on the plus strand (C>T on the coding strand, the complement: SCN3A is on the minus strand). VCF-style: chr2-165097306-G-A. GRCh37 (hg19) VCF-style: chr2-165953816-G-A.
Other names: c.4038C>T, p.Asn1346= (NM_001081676.2, NM_001081677.2).
Identifiers: ClinVar variation 696315 (VCV000696315.29), dbSNP rs373421039, ClinGen allele CA1938636.

ClinVar aggregate classification (germline): Likely benign. Review status: criteria provided, multiple submitters, no conflicts (2 of 4 stars). 3 submissions from 3 submitters: Likely benign (3). Last evaluated 2025-11-04.

Allele frequency attached by ClinVar (database versions not stated): TOPMed 0.00009; gnomAD exomes 0.00013 and 0.00016; ESP Exome Variant Server 0.00015; gnomAD 0.00016 and 0.00018; ExAC 0.00018.
gnomAD v4.1: 203 of 1,613,852 alleles (0.013%); highest among the groups gnomAD compares: Non-Finnish European, 0.017%; no homozygotes.

Submissions (3):

Labcorp Genetics (formerly Invitae), Labcorp
Classification: Likely benign. Last evaluated: 2025-11-04. Review status: criteria provided, single submitter. Criteria: Invitae Variant Classification Sherloc (09022015). Collection method: clinical testing. Allele origin: germline.

CeGaT Center for Human Genetics Tuebingen
Classification: Likely benign. Last evaluated: 2025-08-01. Review status: criteria provided, single submitter. Criteria: CeGaT Center For Human Genetics Tuebingen Variant Classification Criteria Version 2. Collection method: clinical testing. Allele origin: germline. Affected: yes. Observed: 5 variant alleles.
Comment: SCN3A: BP4, BP7

Blueprint Genetics
Classification: Likely benign. Last evaluated: 2024-11-26. Review status: criteria provided, single submitter. Criteria: ACMG Guidelines, 2015. Collection method: clinical testing. Allele origin: germline.